The following is an entry in ClinVar:

NM_000051.4(ATM):c.1216G>T (p.Asp406Tyr)

Gene: ATM (ATM serine/threonine kinase; plus strand). Cytogenetic location: 11q22.3.
Variant type: single nucleotide variant.
Coding change: c.1216G>T on transcript NM_000051.4 (MANE Select); coding-DNA position 1216, G replaced by T.
Protein change: p.Asp406Tyr; replaces aspartic acid 406 with tyrosine.
Molecular consequence: missense variant.
Genome position (GRCh38, 1-based): chr11:108,249,083, G>T. VCF-style: chr11-108249083-G-T. GRCh37 (hg19) VCF-style: chr11-108119810-G-T.
Other names: c.1216G>T, p.Asp406Tyr (NM_001351834.2); short protein forms D406Y.
Identifiers: ClinVar variation 3696646 (VCV003696646.2).
Genomic context (GRCh38, chr11:108,249,083, plus strand): 5'-AGGAAGAAAATAGAACTAGGCTGGGAAGTAATAAAAGATCACCTTCAGAAGTCACAGAAT[G>T]ATTTTGATCTTGTGCCTTGGTAAAGTGTTACCATTTTCTCATTCAGTGTCATTTTAATCT-3'
Protein context (NP_000042.3, residues 396-416): IKDHLQKSQN[Asp406Tyr]FDLVPWLQIA

ClinVar aggregate classification (germline): Uncertain significance (1 of 4 stars; one submission).

Conditions:
Ataxia-telangiectasia syndrome (AT). Also called: Ataxia telangiectasia (A-T); LOUIS-BAR SYNDROME; Cerebello-oculocutaneous telangiectasia; Immunodeficiency with ataxia telangiectasia; Ataxia-telangiectasia, complementation group E; Ataxia-telangiectasia. Identifiers: Orphanet 100, MedGen C0004135, MONDO:0008840, OMIM 208900.

gnomAD v4.1: 2 of 1,613,972 alleles (0.00012%); highest among the groups gnomAD compares: Non-Finnish European, 0.00017%; no homozygotes.

Submission:

Labcorp Genetics (formerly Invitae), Labcorp
Classification: Uncertain significance for Ataxia-telangiectasia syndrome. Last evaluated: 2025-05-19. Review status: criteria provided, single submitter. Criteria: Invitae Variant Classification Sherloc (09022015). Collection method: clinical testing. Allele origin: germline.
Comment: This sequence change replaces aspartic acid, which is acidic and polar, with tyrosine, which is neutral and polar, at codon 406 of the ATM protein (p.Asp406Tyr). This variant is not present in population databases (gnomAD no frequency). This variant has not been reported in the literature in individuals affected with ATM-related conditions. ClinVar contains an entry for this variant (Variation ID: 3696646). Invitae Evidence Modeling of protein sequence and biophysical properties (such as structural, functional, and spatial information, amino acid conservation, physicochemical variation, residue mobility, and thermodynamic stability) has been performed for this missense variant. However, the output from this modeling did not meet the statistical confidence thresholds required to predict the impact of this variant on ATM protein function. In summary, the available evidence is currently insufficient to determine the role of this variant in disease. Therefore, it has been classified as a Variant of Uncertain Significance.